The following is an entry in ClinVar:

NM_001123385.2(BCOR):c.3346C>T (p.Pro1116Ser)

Gene: BCOR (BCL6 corepressor; minus strand). Cytogenetic location: Xp11.4.
Variant type: single nucleotide variant.
Coding change: c.3346C>T on transcript NM_001123385.2 (MANE Select); coding-DNA position 3346, C replaced by T.
Protein change: p.Pro1116Ser; replaces proline 1116 with serine.
Molecular consequence: missense variant.
Genome position (GRCh38, 1-based): chrX:40,064,492, G>A on the plus strand (C>T on the coding strand, the complement: BCOR is on the minus strand). VCF-style: chrX-40064492-G-A. GRCh37 (hg19) VCF-style: chrX-39923745-G-A.
Other names: c.3292C>T, p.Pro1098Ser (NM_001123384.2); c.3346C>T, p.Pro1116Ser (NM_017745.6, NM_001123383.2); short protein forms P1098S, P1116S.
Identifiers: ClinVar variation 2193564 (VCV002193564.14), dbSNP rs140923855, ClinGen allele CA10386655.

ClinVar aggregate classification (germline): Conflicting classifications of pathogenicity. Review status: criteria provided, conflicting classifications (1 of 4 stars). 2 submissions from 2 submitters: Uncertain significance (1); Likely benign (1). Last evaluated 2025-08-30.

Conditions:
Oculofaciocardiodental syndrome (MCOPS2). Identifiers: Orphanet 2712, MedGen C1846265, MONDO:0010261, OMIM 300166.

Allele frequency attached by ClinVar (database versions not stated): gnomAD 0.00002; ExAC 0.00003; TOPMed 0.00003; gnomAD exomes 0.00004; ESP Exome Variant Server 0.00009.
gnomAD v4.1: 47 of 1,211,072 alleles (0.0039%); highest among the groups gnomAD compares: Admixed American, 0.011%; no homozygotes.

Submissions (2):

Labcorp Genetics (formerly Invitae), Labcorp
Classification: Uncertain significance for Oculofaciocardiodental syndrome. Last evaluated: 2025-08-30. Review status: criteria provided, single submitter. Criteria: Invitae Variant Classification Sherloc (09022015). Collection method: clinical testing. Allele origin: germline.
Comment: This sequence change replaces proline, which is neutral and non-polar, with serine, which is neutral and polar, at codon 1116 of the BCOR protein (p.Pro1116Ser). This variant is present in population databases (rs140923855, gnomAD 0.02%). This variant has not been reported in the literature in individuals affected with BCOR-related conditions. ClinVar contains an entry for this variant (Variation ID: 2193564). An algorithm developed to predict the effect of missense changes on protein structure and function outputs the following: PolyPhen-2: "Benign". The serine amino acid residue is found in multiple mammalian species, which suggests that this missense change does not adversely affect protein function. In summary, the available evidence is currently insufficient to determine the role of this variant in disease. Therefore, it has been classified as a Variant of Uncertain Significance.

CeGaT Center for Human Genetics Tuebingen
Classification: Likely benign. Last evaluated: 2025-05-01. Review status: criteria provided, single submitter. Criteria: CeGaT Center For Human Genetics Tuebingen Variant Classification Criteria Version 2. Collection method: clinical testing. Allele origin: germline. Affected: yes. Observed: 1 variant allele.
Comment: BCOR: BP4, BS2